The following is an entry in ClinVar:

NM_005188.4(CBL):c.67G>A (p.Gly23Ser)

Genes: CBL (Cbl proto-oncogene; plus strand), LOC130006895 (ATAC-STARR-seq lymphoblastoid silent region 3975; plus strand). Cytogenetic location: 11q23.3.
Variant type: single nucleotide variant.
Coding change: c.67G>A on transcript NM_005188.4 (MANE Select); coding-DNA position 67, G replaced by A.
Protein change: p.Gly23Ser; replaces glycine 23 with serine.
Molecular consequence: missense variant.
Genome position (GRCh38, 1-based): chr11:119,206,484, G>A. VCF-style: chr11-119206484-G-A. GRCh37 (hg19) VCF-style: chr11-119077194-G-A.
Other names: short protein forms G23S.
Identifiers: ClinVar variation 3996093 (VCV003996093.1).

ClinVar aggregate classification (germline): Uncertain significance (1 of 4 stars; one submission).

Conditions:
Cardiovascular phenotype. Identifiers: MedGen CN230736.

gnomAD v4.1: 1 of 1,574,688 alleles (0.000064%); highest among the groups gnomAD compares: Non-Finnish European, 0.000086%; no homozygotes.

Submission:

Ambry Genetics
Classification: Uncertain significance for Cardiovascular phenotype. Last evaluated: 2025-06-13. Review status: criteria provided, single submitter. Criteria: Ambry Variant Classification Scheme 2023. Collection method: clinical testing. Allele origin: germline.
Comment: The p.G23S variant (also known as c.67G>A), located in coding exon 1 of the CBL gene, results from a G to A substitution at nucleotide position 67. The glycine at codon 23 is replaced by serine, an amino acid with similar properties. This amino acid position is conserved. In addition, this alteration is predicted to be tolerated by in silico analysis. Based on the available evidence, the clinical significance of this variant remains unclear.